The following is an entry in ClinVar:

ClinVar aggregate classification (germline): Uncertain significance (1 of 4 stars; one submission).

gnomAD v4.1: 13 of 1,613,900 alleles (0.00081%); highest among the groups gnomAD compares: East Asian, 0.0089%; no homozygotes.

Submission:

Labcorp Genetics (formerly Invitae), Labcorp
Classification: Uncertain significance. Last evaluated: 2024-11-28. Review status: criteria provided, single submitter. Criteria: Invitae Variant Classification Sherloc (09022015). Collection method: clinical testing. Allele origin: germline.
Comment: This sequence change replaces valine, which is neutral and non-polar, with isoleucine, which is neutral and non-polar, at codon 440 of the SLC6A19 protein (p.Val440Ile). This variant is present in population databases (rs373368788, gnomAD 0.01%). This variant has not been reported in the literature in individuals affected with SLC6A19-related conditions. Invitae Evidence Modeling of protein sequence and biophysical properties (such as structural, functional, and spatial information, amino acid conservation, physicochemical variation, residue mobility, and thermodynamic stability) indicates that this missense variant is not expected to disrupt SLC6A19 protein function with a negative predictive value of 95%. In summary, the available evidence is currently insufficient to determine the role of this variant in disease. Therefore, it has been classified as a Variant of Uncertain Significance.

NM_001003841.3(SLC6A19):c.1318G>A (p.Val440Ile)

Gene: SLC6A19 (solute carrier family 6 member 19; plus strand). Cytogenetic location: 5p15.33.
Variant type: single nucleotide variant.
Coding change: c.1318G>A on transcript NM_001003841.3 (MANE Select); coding-DNA position 1318, G replaced by A.
Protein change: p.Val440Ile; replaces valine 440 with isoleucine.
Molecular consequence: missense variant.
Genome position (GRCh38, 1-based): chr5:1,219,047, G>A. VCF-style: chr5-1219047-G-A. GRCh37 (hg19) VCF-style: chr5-1219162-G-A.
Other names: short protein forms V440I.
Identifiers: ClinVar variation 3634744 (VCV003634744.2).